The following is an entry in ClinVar:

ClinVar aggregate classification (germline): Likely benign (1 of 4 stars; one submission).

Conditions:
PKD1-related disorder. Also called: PKD1-related condition.

Submission:

PreventionGenetics, part of Exact Sciences
Classification: Likely benign for PKD1-related condition. Last evaluated: 2026-05-28. Review status: criteria provided, single submitter. Criteria: ACMG Guidelines, 2015. Collection method: clinical testing. Allele origin: germline.
Comment: This variant is classified as likely benign based on ACMG/AMP sequence variant interpretation guidelines (Richards et al. 2015 PMID: 25741868, with internal and published modifications).

NM_001009944.3(PKD1):c.7161G>C (p.Val2387=)

Gene: PKD1 (polycystin 1, transient receptor potential channel interacting; minus strand). Cytogenetic location: 16p13.3.
Variant type: single nucleotide variant.
Coding change: c.7161G>C on transcript NM_001009944.3 (MANE Select); coding-DNA position 7161, G replaced by C.
Protein change: p.Val2387=; no amino-acid change (valine 2387 retained).
Molecular consequence: synonymous variant.
Genome position (GRCh38, 1-based): chr16:2,106,853, C>G on the plus strand (G>C on the coding strand, the complement: PKD1 is on the minus strand). VCF-style: chr16-2106853-C-G. GRCh37 (hg19) VCF-style: chr16-2156854-C-G.
Other names: c.7161G>C, p.Val2387= (NM_000296.4).
Identifiers: ClinVar variation 4991447 (VCV004991447.1).
Genomic context (GRCh38, chr16:2,106,853, plus strand): 5'-CTCAACACTCACCCCTCGCTTGGAGCCGCTGCTGCAATTGAGGCAGCGGCCCTCCAAGTA[C>G]ACGTAGGAGCTGCGGCTCACTTCGTACACGGCCTGTGCCTTGCAGGACACACACTCCAAG-3'
Protein context (NP_001009944.3, residues 2377-2397): AVYEVSRSSY[Val2387=]YLEGRCLNCS